The following is an entry in ClinVar:

ClinVar aggregate classification (germline): Pathogenic/Likely pathogenic. Review status: criteria provided, multiple submitters, no conflicts (2 of 4 stars). 3 submissions from 3 submitters: Pathogenic (1); Likely pathogenic (1). 1 of the submissions does not count toward it. Last evaluated 2022-01-15.

Conditions:
Familial thoracic aortic aneurysm and aortic dissection (TAAD). Also called: Thoracic aortic aneurysms and dissections. Identifiers: Orphanet 91387, MedGen C4707243, MONDO:0019625.
Marfan syndrome (MFS). Also called: Marfan syndrome type 1; Marfan syndrome, classic; Marfan's syndrome; FBN1-Related Marfan Syndrome; MARFAN SYNDROME, TYPE I. Identifiers: Orphanet 284963, Orphanet 558, MedGen C0024796, MONDO:0007947, OMIM 154700.

Submissions (3):

Labcorp Genetics (formerly Invitae), Labcorp
Classification: Pathogenic for Marfan syndrome; Familial thoracic aortic aneurysm and aortic dissection. Last evaluated: 2022-01-15. Review status: criteria provided, single submitter. Criteria: Invitae Variant Classification Sherloc (09022015). Collection method: clinical testing. Allele origin: germline.
Comment: This variant is not present in population databases (gnomAD no frequency). This missense change has been observed in individuals with Marfan syndrome (PMID: 11700157, 28855619; Invitae). ClinVar contains an entry for this variant (Variation ID: 549004). Advanced modeling of protein sequence and biophysical properties (such as structural, functional, and spatial information, amino acid conservation, physicochemical variation, residue mobility, and thermodynamic stability) performed at Invitae indicates that this missense variant is expected to disrupt FBN1 protein function. This variant disrupts the p.Trp366 amino acid residue in FBN1. Other variant(s) that disrupt this residue have been observed in individuals with FBN1-related conditions (PMID: 24161884, 29357934), which suggests that this may be a clinically significant amino acid residue. For these reasons, this variant has been classified as Pathogenic. This sequence change replaces tryptophan, which is neutral and slightly polar, with cysteine, which is neutral and slightly polar, at codon 366 of the FBN1 protein (p.Trp366Cys).

Centre of Medical Genetics, University of Antwerp
Classification: Likely pathogenic for Marfan syndrome. Last evaluated: 2021-03-01. Review status: criteria provided, single submitter. Criteria: Submitter's publication. Collection method: research. Allele origin: unknown. Affected: yes.
Comment: PM2, PS1, PP4

Center for Medical Genetics Ghent, University of Ghent
Classification: Likely pathogenic for Marfan syndrome. Last evaluated: 2017-11-07. Review status: no assertion criteria provided. Collection method: clinical testing. Allele origin: germline. Affected: yes. Not counted in ClinVar's aggregate classification.

Literature cited by the submitters: PubMed 11700157 (cited by Labcorp Genetics (formerly Invitae), Labcorp); PubMed 28855619 (cited by Labcorp Genetics (formerly Invitae), Labcorp); PubMed 24161884 (cited by Labcorp Genetics (formerly Invitae), Labcorp); PubMed 29357934 (cited by Labcorp Genetics (formerly Invitae), Labcorp).

NM_000138.5(FBN1):c.1098G>T (p.Trp366Cys)

Genes: FBN1 (fibrillin 1; minus strand), LOC113939944 (Sharpr-MPRA regulatory region 9539; plus strand). Cytogenetic location: 15q21.1.
Variant type: single nucleotide variant.
Coding change: c.1098G>T on transcript NM_000138.5 (MANE Select); coding-DNA position 1098, G replaced by T.
Protein change: p.Trp366Cys; replaces tryptophan 366 with cysteine.
Molecular consequence: missense variant.
Genome position (GRCh38, 1-based): chr15:48,520,708, C>A on the plus strand (G>T on the coding strand, the complement: FBN1 is on the minus strand). VCF-style: chr15-48520708-C-A. GRCh37 (hg19) VCF-style: chr15-48812905-C-A.
Other names: short protein forms W366C.
Identifiers: ClinVar variation 549004 (VCV000549004.26), dbSNP rs1555400595, ClinGen allele CA392347350.
Genomic context (GRCh38, chr15:48,520,708, plus strand): 5'-AGGGCTCTTACCGGTTGCTCTGATGGGACACATCTCAGGGGCGACAGTGACCCCTGGAGA[C>A]CAGCATCGGCCGGCATCACAGCAGCACTGCATTTTGGTTATGGACTGTGGCAGCTGGTTA-3'
Protein context (NP_000129.3, residues 356-376): MQCCCDAGRC[Trp366Cys]SPGVTVAPEM